The following is an entry in ClinVar:

ClinVar aggregate classification (germline): Uncertain significance. Review status: criteria provided, multiple submitters, no conflicts (2 of 4 stars). 3 submissions from 3 submitters: Uncertain significance (3). Last evaluated 2025-12-16.

Conditions:
Cardiovascular phenotype. Identifiers: MedGen CN230736.
Hypertrophic cardiomyopathy. Also called: HYPERTROPHIC MYOCARDIOPATHY. Identifiers: Orphanet 217569, MedGen C0007194, MeSH D002312, MONDO:0005045, HP:0001639.

Submissions (3):

Labcorp Genetics (formerly Invitae), Labcorp
Classification: Uncertain significance for Hypertrophic cardiomyopathy. Last evaluated: 2025-12-16. Review status: criteria provided, single submitter. Criteria: Invitae Variant Classification Sherloc (09022015). Collection method: clinical testing. Allele origin: germline.
Comment: This sequence change replaces isoleucine, which is neutral and non-polar, with phenylalanine, which is neutral and non-polar, at codon 125 of the TNNI3 protein (p.Ile125Phe). This variant is not present in population databases (gnomAD no frequency). This variant has not been reported in the literature in individuals affected with TNNI3-related conditions. ClinVar contains an entry for this variant (Variation ID: 652447). An algorithm developed to predict the effect of missense changes on protein structure and function (PolyPhen-2) suggests that this variant is likely to be disruptive. In summary, the available evidence is currently insufficient to determine the role of this variant in disease. Therefore, it has been classified as a Variant of Uncertain Significance.

GeneDx
Classification: Uncertain significance. Last evaluated: 2025-08-12. Review status: criteria provided, single submitter. Criteria: GeneDx Variant Classification Process June 2021. Collection method: clinical testing. Allele origin: germline. Affected: yes.
Comment: Not observed at significant frequency in large population cohorts (gnomAD); In silico analysis supports that this missense variant has a deleterious effect on protein structure/function; Has not been previously published as pathogenic or benign to our knowledge

Ambry Genetics
Classification: Uncertain significance for Cardiovascular phenotype. Last evaluated: 2023-12-11. Review status: criteria provided, single submitter. Criteria: Ambry Variant Classification Scheme 2023. Collection method: clinical testing. Allele origin: germline.
Comment: The p.I125F variant (also known as c.373A>T) is located in coding exon 7 of the TNNI3 gene. The isoleucine at codon 125 is replaced by phenylalanine, an amino acid with highly similar properties. This change occurs in the first base pair of coding exon 7. This amino acid position is conserved. In addition, this alteration is predicted to be deleterious by in silico analysis. Since supporting evidence is limited at this time, the clinical significance of this alteration remains unclear.

NM_000363.5(TNNI3):c.373A>T (p.Ile125Phe)

Gene: TNNI3 (troponin I3, cardiac type; minus strand). Cytogenetic location: 19q13.42.
Variant type: single nucleotide variant.
Coding change: c.373A>T on transcript NM_000363.5 (MANE Select); coding-DNA position 373, A replaced by T.
Protein change: p.Ile125Phe; replaces isoleucine 125 with phenylalanine.
Molecular consequence: missense variant.
Genome position (GRCh38, 1-based): chr19:55,154,206, T>A on the plus strand (A>T on the coding strand, the complement: TNNI3 is on the minus strand). VCF-style: chr19-55154206-T-A. GRCh37 (hg19) VCF-style: chr19-55665574-T-A.
Other names: c.373A>T (LRG_432t1); short protein forms I125F.
Identifiers: ClinVar variation 652447 (VCV000652447.10), dbSNP rs1599909309, ClinGen allele CA407440819.
Genomic context (GRCh38, chr19:55,154,206, plus strand): 5'-GCAGGGTGGGCCGCTTAAACTTGCCTCGAAGGTCAAAGATCTTCTGAGTCAGATCTGCAA[T>A]CTGGGGGCACACGAGGGGGTGGGTACTTCTCCTTCCATTTCCCGCACACCCAACTCCTCC-3'
Protein context (NP_000354.4, residues 115-135): EAKVTKNITE[Ile125Phe]ADLTQKIFDL